The following is an entry in ClinVar:

NM_001375524.1(TRRAP):c.1319A>G (p.Asn440Ser)

Gene: TRRAP (transformation/transcription domain associated protein; plus strand). Cytogenetic location: 7q22.1.
Variant type: single nucleotide variant.
Coding change: c.1319A>G on transcript NM_001375524.1 (MANE Select); coding-DNA position 1319, A replaced by G.
Protein change: p.Asn440Ser; replaces asparagine 440 with serine.
Molecular consequence: missense variant.
Genome position (GRCh38, 1-based): chr7:98,908,931, A>G. VCF-style: chr7-98908931-A-G. GRCh37 (hg19) VCF-style: chr7-98506554-A-G.
Other names: c.1319A>G, p.Asn440Ser (NM_001244580.2, NM_003496.4); short protein forms N440S.
Identifiers: ClinVar variation 1958874 (VCV001958874.5), dbSNP rs2484707991, ClinGen allele CA368285658.
Genomic context (GRCh38, chr7:98,908,931, plus strand): 5'-GCAAGCTCCTGCTGAACCTGGTGGACTGCATCCGTTCCAAGAGCGAGCAGGAGAGTGGCA[A>G]TGGGAGAGACGTCCTGATGCGGATGCTGGAGGTACCAGCTCTTCTGAGAGTATCATCCAT-3'
Protein context (NP_001362453.1, residues 430-450): IRSKSEQESG[Asn440Ser]GRDVLMRMLE

ClinVar aggregate classification (germline): Uncertain significance (1 of 4 stars; one submission).

Allele frequency attached by ClinVar (database versions not stated): gnomAD exomes below 0.00001.
gnomAD v4.1: 4 of 1,613,806 alleles (0.00025%); highest among the groups gnomAD compares: African/African-American, 0.0027%; no homozygotes.

Submission:

Labcorp Genetics (formerly Invitae), Labcorp
Classification: Uncertain significance. Last evaluated: 2024-10-23. Review status: criteria provided, single submitter. Criteria: Invitae Variant Classification Sherloc (09022015). Collection method: clinical testing. Allele origin: germline.
Comment: This sequence change replaces asparagine, which is neutral and polar, with serine, which is neutral and polar, at codon 440 of the TRRAP protein (p.Asn440Ser). This variant is not present in population databases (gnomAD no frequency). This variant has not been reported in the literature in individuals affected with TRRAP-related conditions. ClinVar contains an entry for this variant (Variation ID: 1958874). Invitae Evidence Modeling of protein sequence and biophysical properties (such as structural, functional, and spatial information, amino acid conservation, physicochemical variation, residue mobility, and thermodynamic stability) indicates that this missense variant is not expected to disrupt TRRAP protein function with a negative predictive value of 80%. In summary, the available evidence is currently insufficient to determine the role of this variant in disease. Therefore, it has been classified as a Variant of Uncertain Significance.